The following is an entry in ClinVar:

NM_052867.4(NALCN):c.1014G>A (p.Ser338=)

Gene: NALCN (sodium leak channel, non-selective; minus strand). Cytogenetic location: 13q33.1.
Variant type: single nucleotide variant.
Coding change: c.1014G>A on transcript NM_052867.4 (MANE Select); coding-DNA position 1014, G replaced by A.
Protein change: p.Ser338=; no amino-acid change (serine 338 retained).
Molecular consequence: synonymous variant.
Genome position (GRCh38, 1-based): chr13:101,292,023, C>T on the plus strand (G>A on the coding strand, the complement: NALCN is on the minus strand). VCF-style: chr13-101292023-C-T. GRCh37 (hg19) VCF-style: chr13-101944374-C-T.
Other names: c.1014G>A (NM_052867.2); c.1014G>A, p.Ser338= (NM_001350748.2, NM_001350749.2, NM_001350750.2 and 1 more transcripts).
Identifiers: ClinVar variation 2963685 (VCV002963685.5), dbSNP rs141596606, ClinGen allele CA7036344.
Genomic context (GRCh38, chr13:101,292,023, plus strand): 5'-TATAACATCCTCTTGCTGATAGCGTACCTGGGTGGTGGCTGTTGAGGTAGTGCTGCTTCT[C>T]GATCCCCACATTTGTTGAAACTGTACTCTGATTTCTGCAAATGTTTCAATGATAACAGCA-3'
Protein context (NP_443099.1, residues 328-348): IRVQFQQMWG[Ser338=]RSSTTSTATT

ClinVar aggregate classification (germline): Likely benign. Review status: criteria provided, single submitter (1 of 4 stars). 2 submissions from 2 submitters: Likely benign (1). 1 of the submissions does not count toward it. Last evaluated 2024-07-01.

Conditions:
NALCN-related disorder. Also called: NALCN-related disorders; NALCN-related condition.

Allele frequency attached by ClinVar (database versions not stated): TOPMed 0.00002; ExAC 0.00003; gnomAD 0.00003; ESP Exome Variant Server 0.00008.
gnomAD v4.1: 19 of 1,613,896 alleles (0.0012%); highest among the groups gnomAD compares: Middle Eastern, 0.033%; no homozygotes.

Submissions (2):

Labcorp Genetics (formerly Invitae), Labcorp
Classification: Likely benign. Last evaluated: 2024-07-01. Review status: criteria provided, single submitter. Criteria: Invitae Variant Classification Sherloc (09022015). Collection method: clinical testing. Allele origin: germline.

PreventionGenetics, part of Exact Sciences
Classification: Likely benign for NALCN-related condition. Last evaluated: 2022-10-19. Review status: no assertion criteria provided. Collection method: clinical testing. Allele origin: germline. Not counted in ClinVar's aggregate classification.
Comment: This variant is classified as likely benign based on ACMG/AMP sequence variant interpretation guidelines (Richards et al. 2015 PMID: 25741868, with internal and published modifications).